The following is an entry in ClinVar:

ClinVar aggregate classification (germline): Uncertain significance (1 of 4 stars; one submission).

Conditions:
Familial cancer of breast. Also called: Hereditary breast cancer; hereditary breast carcinoma; BREAST CANCER, FAMILIAL. Identifiers: Orphanet 227535, MedGen C0346153, MONDO:0016419, OMIM 114480. Disease mechanism: loss of function.
Fanconi anemia complementation group J. Also called: BRIP1-Related Fanconi Anemia. Identifiers: Orphanet 84, MedGen C1836860, MONDO:0012187, OMIM 609054.

Submission:

Labcorp Genetics (formerly Invitae), Labcorp
Classification: Uncertain significance for Familial cancer of breast; Fanconi anemia complementation group J. Last evaluated: 2023-05-17. Review status: criteria provided, single submitter. Criteria: Invitae Variant Classification Sherloc (09022015). Collection method: clinical testing. Allele origin: germline.
Comment: This sequence change replaces asparagine, which is neutral and polar, with lysine, which is basic and polar, at codon 1057 of the BRIP1 protein (p.Asn1057Lys). This variant is not present in population databases (gnomAD no frequency). This variant has not been reported in the literature in individuals affected with BRIP1-related conditions. ClinVar contains an entry for this variant (Variation ID: 1036605). An algorithm developed to predict the effect of missense changes on protein structure and function (PolyPhen-2) suggests that this variant is likely to be tolerated. In summary, the available evidence is currently insufficient to determine the role of this variant in disease. Therefore, it has been classified as a Variant of Uncertain Significance.

NM_032043.3(BRIP1):c.3171T>G (p.Asn1057Lys)

Gene: BRIP1 (BRCA1 interacting DNA helicase 1; minus strand). Cytogenetic location: 17q23.2.
Variant type: single nucleotide variant.
Coding change: c.3171T>G on transcript NM_032043.3 (MANE Select); coding-DNA position 3171, T replaced by G.
Protein change: p.Asn1057Lys; replaces asparagine 1057 with lysine.
Molecular consequence: missense variant.
Genome position (GRCh38, 1-based): chr17:61,683,875, A>C on the plus strand (T>G on the coding strand, the complement: BRIP1 is on the minus strand). VCF-style: chr17-61683875-A-C. GRCh37 (hg19) VCF-style: chr17-59761236-A-C.
Other names: short protein forms N1057K.
Identifiers: ClinVar variation 1036605 (VCV001036605.9), dbSNP rs2061317850, ClinGen allele CA400479450.